The following is an entry in ClinVar:

NM_016341.4(PLCE1):c.1651T>C (p.Leu551=)

Gene: PLCE1 (phospholipase C epsilon 1; plus strand). Cytogenetic location: 10q23.33.
Variant type: single nucleotide variant.
Coding change: c.1651T>C on transcript NM_016341.4 (MANE Select); coding-DNA position 1651, T replaced by C.
Protein change: p.Leu551=; no amino-acid change (leucine 551 retained).
Molecular consequence: synonymous variant.
Genome position (GRCh38, 1-based): chr10:94,171,338, T>C. VCF-style: chr10-94171338-T-C. GRCh37 (hg19) VCF-style: chr10-95931095-T-C.
Other names: c.727T>C, p.Leu243= (NM_001165979.2); c.1651T>C, p.Leu551= (NM_001288989.2).
Identifiers: ClinVar variation 2640702 (VCV002640702.24), dbSNP rs2494249834, ClinGen allele CA470992045.

ClinVar aggregate classification (germline): Likely benign (1 of 4 stars; one submission).

Submission:

CeGaT Center for Human Genetics Tuebingen
Classification: Likely benign. Last evaluated: 2022-11-01. Review status: criteria provided, single submitter. Criteria: CeGaT Center For Human Genetics Tuebingen Variant Classification Criteria Version 2. Collection method: clinical testing. Allele origin: germline. Affected: yes. Observed: 1 variant allele.
Comment: PLCE1: PM2:Supporting, BP4, BP7